The following is an entry in ClinVar:

NM_003482.4(KMT2D):c.13671+9_13671+10dup

Gene: KMT2D (lysine methyltransferase 2D; minus strand). Cytogenetic location: 12q13.12.
Variant type: Duplication.
Coding change: c.13671+9_13671+10dup on transcript NM_003482.4 (MANE Select); bases 9 to 10 of the intron after coding-DNA position 13671, 2 bases duplicated (CC; older notation c.13671+9_13671+10dupCC).
Molecular consequence: intron variant.
Genome position (GRCh38, 1-based): chr12:49,030,883-49,030,884, GG duplicated on the plus strand (CC on the coding strand, the reverse complement: KMT2D is on the minus strand); duplicating any 2 consecutive bases within chr12:49,030,883-49,030,888 gives the same sequence; the c. name uses the placement nearest the transcript's 3' end. VCF-style (leftmost placement, unchanged base first): chr12-49030882-T-TGG. GRCh37 (hg19) VCF-style: chr12-49424665-T-TGG.
Identifiers: ClinVar variation 3031846 (VCV003031846.3), dbSNP rs147210845, ClinGen allele CA6545950.

ClinVar aggregate classification (germline): Likely benign. Review status: criteria provided, single submitter (1 of 4 stars). 2 submissions from 2 submitters: Likely benign (1). 1 of the submissions does not count toward it. Last evaluated 2025-04-28.

Conditions:
KMT2D-related disorder. Also called: KMT2D-Related Disorders.
Kabuki syndrome. Also called: NIIKAWA-KUROKI SYNDROME; Kabuki make-up syndrome. Identifiers: Orphanet 2322, MedGen C0796004, MONDO:0016512.

Submissions (2):

Labcorp Genetics (formerly Invitae), Labcorp
Classification: Likely benign for Kabuki syndrome. Last evaluated: 2025-04-28. Review status: criteria provided, single submitter. Criteria: Invitae Variant Classification Sherloc (09022015). Collection method: clinical testing. Allele origin: germline.

PreventionGenetics, part of Exact Sciences
Classification: Likely benign for KMT2D-related condition. Last evaluated: 2023-05-18. Review status: no assertion criteria provided. Collection method: clinical testing. Allele origin: germline. Not counted in ClinVar's aggregate classification.
Comment: This variant is classified as likely benign based on ACMG/AMP sequence variant interpretation guidelines (Richards et al. 2015 PMID: 25741868, with internal and published modifications).